The following is an entry in ClinVar:

ClinVar aggregate classification (germline): Uncertain significance. Review status: criteria provided, multiple submitters, no conflicts (2 of 4 stars). 2 submissions from 2 submitters: Uncertain significance (2). Last evaluated 2026-07-07.

Conditions:
Tuberous sclerosis syndrome (TSC). Also called: Tuberous Sclerosis Complex; Tuberous sclerosis. Identifiers: Orphanet 805, MedGen C0041341, MONDO:0001734.
Hereditary cancer-predisposing syndrome. Also called: Tumor predisposition; Hereditary Cancer Syndrome; Neoplastic Syndromes, Hereditary; Hereditary neoplastic syndrome. Identifiers: Orphanet 140162, MedGen C0027672, MeSH D009386, MONDO:0015356.

Submissions (2):

Ambry Genetics
Classification: Uncertain significance for Hereditary cancer-predisposing syndrome. Last evaluated: 2026-07-07. Review status: criteria provided, single submitter. Criteria: Ambry Variant Classification Scheme 2023. Collection method: clinical testing. Allele origin: germline.
Comment: The p.P349L variant (also known as c.1046C>T), located in coding exon 9 of the TSC1 gene, results from a C to T substitution at nucleotide position 1046. The proline at codon 349 is replaced by leucine, an amino acid with similar properties. This amino acid position is conserved. In addition, this alteration is predicted to be deleterious by in silico analysis. Based on the available evidence, the clinical significance of this variant remains unclear.

All of Us Research Program, National Institutes of Health
Classification: Uncertain significance for Tuberous sclerosis syndrome. Last evaluated: 2023-04-03. Review status: criteria provided, single submitter. Criteria: ACMG Guidelines, 2015. Collection method: clinical testing. Allele origin: germline. Inheritance: Autosomal dominant inheritance. Observed: 1 variant allele, 1 heterozygote.
Comment: This missense variant replaces proline with leucine at codon 349 of the TSC1 protein. Computational prediction suggests that this variant may have deleterious impact on protein structure and function (internally defined REVEL score threshold >= 0.7, PMID: 27666373). To our knowledge, functional studies have not been reported for this variant. This variant has not been reported in individuals affected with TSC1-related disorders in the literature. This variant has not been identified in the general population by the Genome Aggregation Database (gnomAD). The available evidence is insufficient to determine the role of this variant in disease conclusively. Therefore, this variant is classified as a Variant of Uncertain Significance.

This study involves interpretation of variants in research participants for the purpose of population health screening. Participant phenotype was not available at the time of variant classification. Additional details can be found in publication PMID: 35346344, PMCID: PMC8962531

NM_000368.5(TSC1):c.1046C>T (p.Pro349Leu)

Gene: TSC1 (TSC complex subunit 1; minus strand). Cytogenetic location: 9q34.13.
Variant type: single nucleotide variant.
Coding change: c.1046C>T on transcript NM_000368.5 (MANE Select); coding-DNA position 1046, C replaced by T.
Protein change: p.Pro349Leu; replaces proline 349 with leucine.
Molecular consequence: missense variant. On other transcripts: 5 prime UTR variant (2), non-coding transcript variant (5).
Genome position (GRCh38, 1-based): chr9:132,911,097, G>A on the plus strand (C>T on the coding strand, the complement: TSC1 is on the minus strand). VCF-style: chr9-132911097-G-A. GRCh37 (hg19) VCF-style: chr9-135786484-G-A.
Other names: c.1046C>T, p.Pro349Leu (NM_001162426.2, NM_001406592.1, NM_001406593.1 and 16 more transcripts); c.893C>T, p.Pro298Leu (NM_001162427.2, NM_001406610.1, NM_001406611.1 and 2 more transcripts); c.683C>T, p.Pro228Leu (NM_001362177.2, NM_001406618.1, NM_001406619.1 and 10 more transcripts); c.95C>T, p.Pro32Leu (NM_001406626.1, NM_001406627.1, NM_001406628.1); c.-5C>T (NM_001406629.1, NM_001406630.1); short protein forms P228L, P298L, P32L, P349L.
Identifiers: ClinVar variation 3075530 (VCV003075530.2), dbSNP rs1554817268, ClinGen allele CA375367833.